The following is an entry in ClinVar:

ClinVar aggregate classification (germline): Likely benign (1 of 4 stars; one submission).

Conditions:
ISL1-related disorder. Also called: ISL1-related condition.

gnomAD v4.1: 1 of 1,614,246 alleles (0.000062%); no homozygotes.

Submission:

PreventionGenetics, part of Exact Sciences
Classification: Likely benign for ISL1-related condition. Last evaluated: 2024-10-28. Review status: criteria provided, single submitter. Criteria: ACMG Guidelines, 2015. Collection method: clinical testing. Allele origin: germline.
Comment: This variant is classified as likely benign based on ACMG/AMP sequence variant interpretation guidelines (Richards et al. 2015 PMID: 25741868, with internal and published modifications).

NM_002202.3(ISL1):c.342C>T (p.Leu114=)

Gene: ISL1 (ISL LIM homeobox 1; plus strand). Cytogenetic location: 5q11.1.
Variant type: single nucleotide variant.
Coding change: c.342C>T on transcript NM_002202.3 (MANE Select); coding-DNA position 342, C replaced by T.
Protein change: p.Leu114=; no amino-acid change (leucine 114 retained).
Molecular consequence: synonymous variant.
Genome position (GRCh38, 1-based): chr5:51,387,613, C>T. VCF-style: chr5-51387613-C-T. GRCh37 (hg19) VCF-style: chr5-50683447-C-T.
Identifiers: ClinVar variation 4989986 (VCV004989986.1).